The following is an entry in ClinVar:

ClinVar aggregate classification (germline): Uncertain significance (1 of 4 stars; one submission).

gnomAD v4.1: 1 of 1,551,236 alleles (0.000064%); highest among the groups gnomAD compares: Non-Finnish European, 0.000087%; no homozygotes.

Submission:

Labcorp Genetics (formerly Invitae), Labcorp
Classification: Uncertain significance. Last evaluated: 2022-08-23. Review status: criteria provided, single submitter. Criteria: Invitae Variant Classification Sherloc (09022015). Collection method: clinical testing. Allele origin: germline.
Comment: In summary, the available evidence is currently insufficient to determine the role of this variant in disease. Therefore, it has been classified as a Variant of Uncertain Significance. Algorithms developed to predict the effect of missense changes on protein structure and function are either unavailable or do not agree on the potential impact of this missense change (SIFT: "Not Available"; PolyPhen-2: "Possibly Damaging"; Align-GVGD: "Not Available"). ClinVar contains an entry for this variant (Variation ID: 1491541). This variant has not been reported in the literature in individuals affected with UNC80-related conditions. This variant is not present in population databases (gnomAD no frequency). This sequence change replaces methionine, which is neutral and non-polar, with isoleucine, which is neutral and non-polar, at codon 904 of the UNC80 protein (p.Met904Ile).

NM_001371986.1(UNC80):c.2712G>C (p.Met904Ile)

Gene: UNC80 (unc-80 subunit of NALCN channel complex; plus strand). Cytogenetic location: 2q34.
Variant type: single nucleotide variant.
Coding change: c.2712G>C on transcript NM_001371986.1 (MANE Select); coding-DNA position 2712, G replaced by C.
Protein change: p.Met904Ile; replaces methionine 904 with isoleucine.
Molecular consequence: missense variant.
Genome position (GRCh38, 1-based): chr2:209,831,528, G>C. VCF-style: chr2-209831528-G-C. GRCh37 (hg19) VCF-style: chr2-210696252-G-C.
Other names: c.2712G>C, p.Met904Ile (NM_032504.2); c.2697G>C, p.Met899Ile (NM_182587.4); short protein forms M904I, M899I.
Identifiers: ClinVar variation 1491541 (VCV001491541.6), dbSNP rs2153828637, ClinGen allele CA350411263.
Genomic context (GRCh38, chr2:209,831,528, plus strand): 5'-CACCACAGTGGACAACAAATCCACAGCCCAAAATGTGGAAGGCATTATCGTCAGCGCCAT[G>C]TTTAAATCCCTCATCACACGCTGCGCTTCAACCACACATGAATTGCACAGCCCTGAGAAT-3'
Protein context (NP_001358915.1, residues 894-914): QNVEGIIVSA[Met904Ile]FKSLITRCAS